The following is an entry in ClinVar:

ClinVar aggregate classification (germline): Conflicting classifications of pathogenicity. Review status: criteria provided, conflicting classifications (1 of 4 stars). 2 submissions from 2 submitters: Uncertain significance (1); Likely benign (1). Last evaluated 2022-09-16.

Conditions:
Neurodevelopmental disorder with or without hyperkinetic movements and seizures, autosomal dominant. Also called: Intellectual disability, autosomal dominant 8. Identifiers: MedGen C3280282, MONDO:0013655, OMIM 614254.

Allele frequency attached by ClinVar (database versions not stated): ExAC 0.00001; gnomAD 0.00001; gnomAD exomes 0.00001 and 0.00004; TOPMed 0.00001.
gnomAD v4.1: 52 of 1,602,662 alleles (0.0032%); highest among the groups gnomAD compares: Non-Finnish European, 0.0044%; no homozygotes.

Submissions (2):

GeneDx
Classification: Uncertain significance. Last evaluated: 2022-09-16. Review status: criteria provided, single submitter. Criteria: GeneDx Variant Classification Process June 2021. Collection method: clinical testing. Allele origin: germline. Affected: yes.
Comment: In silico analysis supports that this missense variant does not alter protein structure/function; Has not been previously published as pathogenic or benign to our knowledge; This variant is associated with the following publications: (PMID: 30301969)

Labcorp Genetics (formerly Invitae), Labcorp
Classification: Likely benign for Neurodevelopmental disorder with or without hyperkinetic movements and seizures, autosomal dominant. Last evaluated: 2019-07-08. Review status: criteria provided, single submitter. Criteria: Invitae Variant Classification Sherloc (09022015). Collection method: clinical testing. Allele origin: germline.

NM_007327.4(GRIN1):c.2690C>T (p.Ser897Phe)

Gene: GRIN1 (glutamate ionotropic receptor NMDA type subunit 1; plus strand). Cytogenetic location: 9q34.3.
Variant type: single nucleotide variant.
Coding change: c.2690C>T on transcript NM_007327.4 (MANE Select); coding-DNA position 2690, C replaced by T.
Protein change: p.Ser897Phe; replaces serine 897 with phenylalanine.
Molecular consequence: missense variant. On other transcripts: intron variant (3).
Genome position (GRCh38, 1-based): chr9:137,165,286, C>T. VCF-style: chr9-137165286-C-T. GRCh37 (hg19) VCF-style: chr9-140059738-C-T.
Other names: c.2753C>T, p.Ser918Phe (NM_001185090.2); c.2652+1382C>T (NM_001185091.2); c.2589+1382C>T (NM_021569.4, NM_000832.7); short protein forms S897F, S918F.
Identifiers: ClinVar variation 833734 (VCV000833734.10), dbSNP rs764554048, ClinGen allele CA5361207.